The following is an entry in ClinVar:

NM_007227.3(GPR45):c.420G>C (p.Gln140His)

Gene: GPR45 (G protein-coupled receptor 45; plus strand). Cytogenetic location: 2q12.1.
Variant type: single nucleotide variant.
Coding change: c.420G>C on transcript NM_007227.3 (MANE Select); coding-DNA position 420, G replaced by C.
Protein change: p.Gln140His; replaces glutamine 140 with histidine.
Molecular consequence: missense variant.
Genome position (GRCh38, 1-based): chr2:105,242,278, G>C. VCF-style: chr2-105242278-G-C. GRCh37 (hg19) VCF-style: chr2-105858735-G-C.
Other names: short protein forms Q140H.
Identifiers: ClinVar variation 2797108 (VCV002797108.3), dbSNP rs762181882, ClinGen allele CA1813571.

ClinVar aggregate classification (germline): Uncertain significance (1 of 4 stars; one submission).

Allele frequency attached by ClinVar (database versions not stated): ExAC 0.00002.

Submission:

Labcorp Genetics (formerly Invitae), Labcorp
Classification: Uncertain significance. Last evaluated: 2024-01-21. Review status: criteria provided, single submitter. Criteria: Invitae Variant Classification Sherloc (09022015). Collection method: clinical testing. Allele origin: germline.
Comment: This sequence change replaces glutamine, which is neutral and polar, with histidine, which is basic and polar, at codon 140 of the GPR45 protein (p.Gln140His). This variant is present in population databases (rs762181882, gnomAD 0.02%). This variant has not been reported in the literature in individuals affected with GPR45-related conditions. An algorithm developed to predict the effect of missense changes on protein structure and function (PolyPhen-2) suggests that this variant is likely to be disruptive. In summary, the available evidence is currently insufficient to determine the role of this variant in disease. Therefore, it has been classified as a Variant of Uncertain Significance.